The following is an entry in ClinVar:

NM_001135254.2(PAX7):c.1340A>G (p.Tyr447Cys)

Gene: PAX7 (paired box 7; plus strand). Cytogenetic location: 1p36.13.
Variant type: single nucleotide variant.
Coding change: c.1340A>G on transcript NM_001135254.2 (MANE Select); coding-DNA position 1340, A replaced by G.
Protein change: p.Tyr447Cys; replaces tyrosine 447 with cysteine.
Molecular consequence: missense variant.
Genome position (GRCh38, 1-based): chr1:18,735,816, A>G. VCF-style: chr1-18735816-A-G. GRCh37 (hg19) VCF-style: chr1-19062310-A-G.
Other names: c.1340A>G, p.Tyr447Cys (NM_002584.3); c.1334A>G, p.Tyr445Cys (NM_013945.3); short protein forms Y445C, Y447C.
Identifiers: ClinVar variation 4989092 (VCV004989092.1).

ClinVar aggregate classification (germline): Uncertain significance (1 of 4 stars; one submission).

Conditions:
PAX7-related disorder. Also called: PAX7-related condition.

gnomAD v4.1: 9 of 1,613,916 alleles (0.00056%); highest among the groups gnomAD compares: African/African-American, 0.0013%; no homozygotes.

Submission:

PreventionGenetics, part of Exact Sciences
Classification: Uncertain significance for PAX7-related condition. Last evaluated: 2025-05-21. Review status: criteria provided, single submitter. Criteria: ACMG Guidelines, 2015. Collection method: clinical testing. Allele origin: germline.
Comment: The PAX7 c.1340A>G variant is predicted to result in the amino acid substitution p.Tyr447Cys. To our knowledge, this variant has not been reported in the literature or in a large population database (gnomAD), indicating this variant is rare. At this time, the clinical significance of this variant is uncertain due to the absence of conclusive functional and genetic evidence.